The following is an entry in ClinVar:

NM_001918.5(DBT):c.1219dup (p.Thr407fs)

Gene: DBT (dihydrolipoamide branched chain transacylase E2; minus strand). Cytogenetic location: 1p21.2.
Variant type: Duplication.
Coding change: c.1219dup on transcript NM_001918.5 (MANE Select); coding-DNA position 1219, one base duplicated (A; older notation c.1219dupA).
Protein change: p.Thr407fs; shifts the reading frame from threonine 407.
Molecular consequence: frameshift variant. On other transcripts: non-coding transcript variant (4).
Genome position (GRCh38, 1-based): chr1:100,206,292, T duplicated on the plus strand (A on the coding strand, the reverse complement: DBT is on the minus strand). VCF-style (leftmost placement, unchanged base first): chr1-100206291-G-GT. GRCh37 (hg19) VCF-style: chr1-100671847-G-GT.
Other names: c.676dup, p.Thr226fs (NM_001399969.1, NM_001399972.1); short protein forms T226fs, T407fs.
Identifiers: ClinVar variation 5005475 (VCV005005475.2).

ClinVar aggregate classification (germline): Likely pathogenic (1 of 4 stars; one submission).

Conditions:
Maple syrup urine disease type 2 (MSUD2). Also called: Maple syrup urine disease, type II. Identifiers: MedGen C1855371, MONDO:0023693, OMIM 620699.

Submission:

Juno Genomics, Hangzhou Juno Genomics, Inc
Classification: Likely pathogenic for Maple syrup urine disease type 2. Review status: criteria provided, single submitter. Criteria: ACMG Guidelines, 2015. Collection method: clinical testing. Allele origin: germline.
Comment: Absent from controls (or at extremely low frequency if recessive) in Genome Aggregation Database.;Null variant in a gene where loss of function (LOF) is a known mechanism of disease.